The following is an entry in ClinVar:

ClinVar aggregate classification (germline): Uncertain significance (1 of 4 stars; one submission).

Conditions:
CHARGE syndrome (CHARGE). Also called: Hittner Hirsch Kreh syndrome; Coloboma, heart anomaly, choanal atresia, retardation, genital and ear anomalies; CHARGE association; Hall-Hittner syndrome; CHARGE ASSOCIATION--COLOBOMA, HEART ANOMALY, CHOANAL ATRESIA, RETARDATION, GENITAL AND EAR ANOMALIES. Identifiers: Orphanet 138, MedGen C0265354, MONDO:0008965.

gnomAD v4.1: 2 of 1,514,176 alleles (0.00013%); no homozygotes.

Submission:

Labcorp Genetics (formerly Invitae), Labcorp
Classification: Uncertain significance for CHARGE syndrome. Last evaluated: 2024-10-22. Review status: criteria provided, single submitter. Criteria: Invitae Variant Classification Sherloc (09022015). Collection method: clinical testing. Allele origin: germline.
Comment: This sequence change replaces glutamic acid, which is acidic and polar, with glycine, which is neutral and non-polar, at codon 2253 of the CHD7 protein (p.Glu2253Gly). This variant is not present in population databases (gnomAD no frequency). This variant has not been reported in the literature in individuals affected with CHD7-related conditions. ClinVar contains an entry for this variant (Variation ID: 1022141). Invitae Evidence Modeling of protein sequence and biophysical properties (such as structural, functional, and spatial information, amino acid conservation, physicochemical variation, residue mobility, and thermodynamic stability) indicates that this missense variant is not expected to disrupt CHD7 protein function with a negative predictive value of 95%. In summary, the available evidence is currently insufficient to determine the role of this variant in disease. Therefore, it has been classified as a Variant of Uncertain Significance.

NM_017780.4(CHD7):c.6758A>G (p.Glu2253Gly)

Gene: CHD7 (chromodomain helicase DNA binding protein 7; plus strand). Cytogenetic location: 8q12.2.
Variant type: single nucleotide variant.
Coding change: c.6758A>G on transcript NM_017780.4 (MANE Select); coding-DNA position 6758, A replaced by G.
Protein change: p.Glu2253Gly; replaces glutamic acid 2253 with glycine.
Molecular consequence: missense variant. On other transcripts: intron variant (1).
Genome position (GRCh38, 1-based): chr8:60,853,483, A>G. VCF-style: chr8-60853483-A-G. GRCh37 (hg19) VCF-style: chr8-61766042-A-G.
Other names: c.1717-8746A>G (NM_001316690.1); short protein forms E2253G.
Identifiers: ClinVar variation 1022141 (VCV001022141.8), dbSNP rs1805571750, ClinGen allele CA371326270.